The following is an entry in ClinVar:

NM_001365536.1(SCN9A):c.4819del (p.Thr1607fs)

Genes: SCN9A (sodium voltage-gated channel alpha subunit 9; minus strand), SCN1A-AS1 (SCN1A and SCN9A antisense RNA 1; plus strand). Cytogenetic location: 2q24.3.
Variant type: Deletion.
Coding change: c.4819del on transcript NM_001365536.1 (MANE Select); coding-DNA position 4819, one base deleted (A; older notation c.4819delA).
Protein change: p.Thr1607fs; shifts the reading frame from threonine 1607.
Molecular consequence: frameshift variant.
Genome position (GRCh38, 1-based): chr2:166,199,820, T deleted on the plus strand (A on the coding strand, the reverse complement: SCN9A is on the minus strand). VCF-style (leftmost placement, unchanged base first): chr2-166199819-GT-G. GRCh37 (hg19) VCF-style: chr2-167056329-GT-G.
Other names: c.4786delA, p.Thr1596Profs (NM_002977.4); short protein forms T1596fs, T1607fs.
Identifiers: ClinVar variation 966709 (VCV000966709.10), dbSNP rs1693396597, ClinGen allele CA1139657331.
Genomic context (GRCh38, chr2:166,199,819, plus strand): 5'-GCTCCTTTGACTAGACGTAGGATTCGGCCAATCCTGGCAAGACGGATCACTCGGAACAGG[GT>G]AGGGGACACAAAATACGTTTCAATCAAATCAGCTAGAAACATACCTGTATGTGGAGGAAA-3'

ClinVar aggregate classification (germline): Pathogenic (1 of 4 stars; one submission).

Conditions:
Generalized epilepsy with febrile seizures plus, type 7 (GEFSP7). Also called: GEFS+, TYPE 7. Identifiers: Orphanet 36387, MedGen C2751778, MONDO:0013470, OMIM 613863.
Neuropathy, hereditary sensory and autonomic, type 2A (HSAN2A). Also called: MORVAN DISEASE; NEUROPATHY, CONGENITAL SENSORY; NEUROPATHY, HEREDITARY SENSORY RADICULAR, AUTOSOMAL RECESSIVE; NEUROPATHY, HEREDITARY SENSORY, TYPE IIA; NEUROPATHY, PROGRESSIVE SENSORY, OF CHILDREN; ACROOSTEOLYSIS, GIACCAI TYPE. Identifiers: Orphanet 970, MedGen C2752089, MONDO:0024309, OMIM 201300.

Submission:

Labcorp Genetics (formerly Invitae), Labcorp
Classification: Pathogenic for Neuropathy, hereditary sensory and autonomic, type 2A; Generalized epilepsy with febrile seizures plus, type 7. Last evaluated: 2019-11-12. Review status: criteria provided, single submitter. Criteria: Invitae Variant Classification Sherloc (09022015). Collection method: clinical testing. Allele origin: germline.
Comment: For these reasons, this variant has been classified as Pathogenic. This variant disrupts the C-terminus of the SCN9A protein. Other variant(s) that disrupt this region (p.Glu1773Glyfs*14) have been determined to be pathogenic (PMID: 25253744). This suggests that variants that disrupt this region of the protein are likely to be causative of disease. This sequence change results in a premature translational stop signal in the SCN9A gene (p.Thr1596Profs*5). While this is not anticipated to result in nonsense mediated decay, it is expected to disrupt the last 382 amino acids of the SCN9A protein. This variant is not present in population databases (ExAC no frequency). This variant has not been reported in the literature in individuals with SCN9A-related conditions.

Literature cited by the submitters: PubMed 25253744.